The following is an entry in ClinVar:

NM_005559.4(LAMA1):c.7180C>T (p.Arg2394Ter)

Gene: LAMA1 (laminin subunit alpha 1; minus strand). Cytogenetic location: 18p11.31.
Variant type: single nucleotide variant.
Coding change: c.7180C>T on transcript NM_005559.4 (MANE Select); coding-DNA position 7180, C replaced by T.
Protein change: p.Arg2394Ter; replaces arginine 2394 with a stop codon.
Molecular consequence: nonsense.
Genome position (GRCh38, 1-based): chr18:6,965,303, G>A on the plus strand (C>T on the coding strand, the complement: LAMA1 is on the minus strand). VCF-style: chr18-6965303-G-A. GRCh37 (hg19) VCF-style: chr18-6965302-G-A.
Other names: c.7180C>T (NM_005559.3); short protein forms R2394*.
Identifiers: ClinVar variation 808346 (VCV000808346.45), dbSNP rs542213899, ClinGen allele CA8880991.

ClinVar aggregate classification (germline): Pathogenic/Likely pathogenic. Review status: criteria provided, multiple submitters, no conflicts (2 of 4 stars). 4 submissions from 4 submitters: Pathogenic (3); Likely pathogenic (1). Last evaluated 2025-05-29.

Conditions:
LAMA1-related disorder. Also called: LAMA1-related disorders; LAMA1-related condition.
Ataxia - intellectual disability - oculomotor apraxia - cerebellar cysts syndrome. Also called: Poretti-Boltshauser syndrome. Identifiers: Orphanet 370022, MedGen C4014821, MONDO:0014419, OMIM 615960.

Allele frequency attached by ClinVar (database versions not stated): TOPMed below 0.00001; gnomAD 0.00001 and 0.00002; ExAC 0.00002; gnomAD exomes 0.00002; 1000 Genomes Project 30x 0.00016; 1000 Genomes Project 0.00020.

Submissions (4):

GeneDx
Classification: Pathogenic. Last evaluated: 2025-05-29. Review status: criteria provided, single submitter. Criteria: GeneDx Variant Classification Process June 2021. Collection method: clinical testing. Allele origin: germline. Affected: yes.
Comment: Nonsense variant predicted to result in protein truncation or nonsense mediated decay in a gene for which loss of function is a known mechanism of disease; Not observed at significant frequency in large population cohorts (gnomAD); This variant is associated with the following publications: (PMID: 36592689, 26932191)

Blueprint Genetics
Classification: Pathogenic for LAMA1-related disorders. Last evaluated: 2022-04-01. Review status: criteria provided, single submitter. Criteria: ACMG Guidelines, 2015. Collection method: clinical testing. Allele origin: germline. Affected: yes. Observed: 1 variant allele.

CeGaT Center for Human Genetics Tuebingen
Classification: Likely pathogenic. Last evaluated: 2016-05-01. Review status: criteria provided, single submitter. Criteria: CeGaT Center For Human Genetics Tuebingen Variant Classification Criteria Version 2. Collection method: clinical testing. Allele origin: germline. Affected: yes. Observed: 1 variant allele.

Suma Genomics
Classification: Pathogenic for Ataxia - intellectual disability - oculomotor apraxia - cerebellar cysts syndrome. Review status: criteria provided, single submitter. Criteria: ACMG Guidelines, 2015. Collection method: clinical testing. Allele origin: unknown. Inheritance: Autosomal recessive inheritance. Affected: yes.